The following is an entry in ClinVar:

NM_130384.3(ATRIP):c.1540G>T (p.Val514Phe)

Genes: ATRIP (ATR interacting protein; plus strand), ATRIP-TREX1 (ATRIP-TREX1 readthrough; plus strand). Cytogenetic location: 3p21.31.
Variant type: single nucleotide variant.
Coding change: c.1540G>T on transcript NM_130384.3 (MANE Select); coding-DNA position 1540, G replaced by T.
Protein change: p.Val514Phe; replaces valine 514 with phenylalanine.
Molecular consequence: missense variant. On other transcripts: non-coding transcript variant (1).
Genome position (GRCh38, 1-based): chr3:48,460,594, G>T. VCF-style: chr3-48460594-G-T. GRCh37 (hg19) VCF-style: chr3-48501993-G-T.
Other names: c.1159G>T, p.Val387Phe (NM_001271022.2); c.1261G>T, p.Val421Phe (NM_001271023.2); c.1540G>T, p.Val514Phe (NM_032166.4); short protein forms V421F, V387F, V514F.
Identifiers: ClinVar variation 4644595 (VCV004644595.1).

ClinVar aggregate classification (germline): Uncertain significance (1 of 4 stars; one submission).

gnomAD v4.1: 2 of 1,614,180 alleles (0.00012%); highest among the groups gnomAD compares: Non-Finnish European, 0.00017%; no homozygotes.

Submission:

Ambry Genetics
Classification: Uncertain significance. Last evaluated: 2025-11-25. Review status: criteria provided, single submitter. Criteria: Ambry Variant Classification Scheme 2023. Collection method: clinical testing. Allele origin: germline.
Comment: The p.V514F variant (also known as c.1540G>T), located in coding exon 8 of the ATRIP gene, results from a G to T substitution at nucleotide position 1540. The valine at codon 514 is replaced by phenylalanine, an amino acid with highly similar properties. This amino acid position is conserved. In addition, this alteration is predicted to be tolerated by in silico analysis. Based on the available evidence, the clinical significance of this variant remains unclear.